The following is an entry in ClinVar:

ClinVar aggregate classification (germline): Benign/Likely benign. Review status: criteria provided, multiple submitters, no conflicts (2 of 4 stars). 9 submissions from 9 submitters: Benign (8); Likely benign (1). Last evaluated 2026-05-09.

Conditions:
Connective tissue disorder. Also called: Connective tissue disease. Identifiers: MedGen C0009782, MONDO:0003900.

Allele frequency attached by ClinVar (database versions not stated): 1000 Genomes Project 0.02436; 1000 Genomes Project 30x 0.02670; ExAC 0.03798; gnomAD exomes 0.03872 and 0.05200; gnomAD 0.03947 and 0.04093; TOPMed 0.03979; ESP Exome Variant Server 0.04514.
gnomAD v4.1: 81,618 of 1,612,860 alleles (5.1%); highest among the groups gnomAD compares: Non-Finnish European, 6%; 2,435 homozygotes.

Submissions (9):

Women's Health and Genetics/Laboratory Corporation of America, LabCorp
Classification: Likely benign. Last evaluated: 2026-05-09. Review status: criteria provided, single submitter. Criteria: LabCorp Variant Classification Summary - May 2015. Collection method: clinical testing. Allele origin: germline.

Labcorp Genetics (formerly Invitae), Labcorp
Classification: Benign. Last evaluated: 2026-02-04. Review status: criteria provided, single submitter. Criteria: Invitae Variant Classification Sherloc (09022015). Collection method: clinical testing. Allele origin: germline.

Blueprint Genetics
Classification: Benign. Last evaluated: 2024-11-28. Review status: criteria provided, single submitter. Criteria: ACMG Guidelines, 2015. Collection method: clinical testing. Allele origin: germline.

Genome Diagnostics Laboratory, The Hospital for Sick Children
Classification: Benign for Connective tissue disorder. Last evaluated: 2022-06-03. Review status: criteria provided, single submitter. Criteria: ACMG Guidelines, 2015. Collection method: clinical testing. Allele origin: germline.

Mayo Clinic Laboratories, Mayo Clinic
Classification: Benign. Last evaluated: 2022-04-17. Review status: criteria provided, single submitter. Criteria: ACMG Guidelines, 2015. Collection method: clinical testing. Allele origin: germline. Observed: 11 variant alleles.

Athena Diagnostics
Classification: Benign. Last evaluated: 2018-08-10. Review status: criteria provided, single submitter. Criteria: Athena Diagnostics Criteria. Collection method: clinical testing. Allele origin: germline.

GeneDx
Classification: Benign. Last evaluated: 2017-09-14. Review status: criteria provided, single submitter. Criteria: GeneDx Variant Classification (06012015). Collection method: clinical testing. Allele origin: germline. Affected: yes.
Comment: This variant is considered likely benign or benign based on one or more of the following criteria: it is a conservative change, it occurs at a poorly conserved position in the protein, it is predicted to be benign by multiple in silico algorithms, and/or has population frequency not consistent with disease.

Breakthrough Genomics
Classification: Benign. Review status: criteria provided, single submitter. Criteria: ACMG Guidelines, 2015. Collection method: not provided. Allele origin: germline. Inheritance: Autosomal recessive inheritance. Affected: yes.

PreventionGenetics, part of Exact Sciences
Classification: Benign. Review status: criteria provided, single submitter. Criteria: ACMG Guidelines, 2015. Collection method: clinical testing. Allele origin: germline.

NM_001853.4(COL9A3):c.887C>T (p.Pro296Leu)

Gene: COL9A3 (collagen type IX alpha 3 chain; plus strand). Cytogenetic location: 20q13.33.
Variant type: single nucleotide variant.
Coding change: c.887C>T on transcript NM_001853.4 (MANE Select); coding-DNA position 887, C replaced by T.
Protein change: p.Pro296Leu; replaces proline 296 with leucine.
Molecular consequence: missense variant.
Genome position (GRCh38, 1-based): chr20:62,827,963, C>T. VCF-style: chr20-62827963-C-T. GRCh37 (hg19) VCF-style: chr20-61459315-C-T.
Other names: c.887C>T, p.Pro296Leu (LRG_1253t1); short protein forms P296L.
Identifiers: ClinVar variation 258436 (VCV000258436.18), dbSNP rs45628843, ClinGen allele CA9949575.
Genomic context (GRCh38, chr20:62,827,963, plus strand): 5'-GTCACTTGTGTGTCCTCTAGGGCAGACCTGGTCCCAAGGGAACCCCCGGAGTGGCCGGGC[C>T]AAGCGGAGAGCCGGTGAGTGCACGTGGCTGCTCATGGAATGCTCCTCCCCCGGGTCCTGG-3'
Protein context (NP_001844.3, residues 286-306): GPKGTPGVAG[Pro296Leu]SGEPGMPGKD